The following is an entry in ClinVar:

ClinVar aggregate classification (germline): Uncertain significance (1 of 4 stars; one submission).

Conditions:
Marfan syndrome (MFS). Also called: MARFAN SYNDROME, TYPE I; Marfan syndrome type 1; Marfan's syndrome; FBN1-Related Marfan Syndrome; Marfan syndrome, classic. Identifiers: Orphanet 284963, Orphanet 558, MedGen C0024796, MONDO:0007947, OMIM 154700.

Submission:

All of Us Research Program, National Institutes of Health
Classification: Uncertain significance for Marfan syndrome. Last evaluated: 2024-03-05. Review status: criteria provided, single submitter. Criteria: ACMG Guidelines, 2015. Collection method: clinical testing. Allele origin: germline. Inheritance: Autosomal dominant inheritance. Observed: 1 variant allele, 1 heterozygote.
Comment: This study involves interpretation of variants in research participants for the purpose of population health screening. Participant phenotype was not available at the time of variant classification. Additional details can be found in publication PMID: 35346344, PMCID: PMC8962531

NM_000138.5(FBN1):c.3467T>A (p.Ile1156Asn)

Gene: FBN1 (fibrillin 1; minus strand). Cytogenetic location: 15q21.1.
Variant type: single nucleotide variant.
Coding change: c.3467T>A on transcript NM_000138.5 (MANE Select); coding-DNA position 3467, T replaced by A.
Protein change: p.Ile1156Asn; replaces isoleucine 1156 with asparagine.
Molecular consequence: missense variant.
Genome position (GRCh38, 1-based): chr15:48,487,197, A>T on the plus strand (T>A on the coding strand, the complement: FBN1 is on the minus strand). VCF-style: chr15-48487197-A-T. GRCh37 (hg19) VCF-style: chr15-48779394-A-T.
Other names: c.3467T>A, p.Ile1156Asn (NM_001406716.1); short protein forms I1156N.
Identifiers: ClinVar variation 3386815 (VCV003386815.1).
Genomic context (GRCh38, chr15:48,487,197, plus strand): 5'-CCTATGAGGTTCACGCAACGGCCATTGGGGCACAGGTGTGCACTCAGCTCACATTCATTG[A>T]TGTCTGTCGGGAAAATAAGAAGAACAAACACCCAAACATAAGCTTCCAACTTTGGCAATG-3'
Protein context (NP_000129.3, residues 1146-1166): LSPNISACID[Ile1156Asn]NECELSAHLC